The following is an entry in ClinVar:

ClinVar aggregate classification (germline): Conflicting classifications of pathogenicity. Review status: criteria provided, conflicting classifications (1 of 4 stars). 4 submissions from 4 submitters: Uncertain significance (3); Likely benign (1). Last evaluated 2025-11-12.

Conditions:
Polycystic kidney disease 4 (PKD4). Also called: PKD3; POLYCYSTIC KIDNEY DISEASE 4 WITH OR WITHOUT POLYCYSTIC LIVER DISEASE; Autosomal Recessive Polycystic Kidney Disease – PKHD1; POLYCYSTIC KIDNEY AND HEPATIC DISEASE 1; POLYCYSTIC KIDNEY DISEASE, INFANTILE, TYPE I. Identifiers: MedGen C4540575, MONDO:0033004, OMIM 263200.
Inborn genetic diseases. Identifiers: MedGen C0950123, MeSH D030342.

Allele frequency attached by ClinVar (database versions not stated): 1000 Genomes Project 30x 0.00016; ExAC 0.00001; TOPMed 0.00005; gnomAD exomes 0.00001 and 0.00002; gnomAD 0.00004 and 0.00006; 1000 Genomes Project 0.00020.
gnomAD v4.1: 34 of 1,614,248 alleles (0.0021%); highest among the groups gnomAD compares: Admixed American, 0.012%; no homozygotes.

Submissions (4):

Ambry Genetics
Classification: Likely benign for Inborn genetic diseases. Last evaluated: 2025-11-12. Review status: criteria provided, single submitter. Criteria: Ambry Variant Classification Scheme 2023. Collection method: clinical testing. Allele origin: germline.

Dasa
Classification: Uncertain significance for Polycystic kidney disease 4. Last evaluated: 2025-04-09. Review status: criteria provided, single submitter. Criteria: DASA Assertion Criteria. Collection method: clinical testing. Allele origin: germline.
Comment: NM_138694.4(PKHD1):c.12107G>A (p.Arg4036Gln) is a missense variant that results in the substitution of arginine with glutamine. This variant is rare in population databases. Computational prediction algorithms are consistent with a benign effect. The currently available literature and clinical evidence are not sufficient to establish a definitive association between this variant and the reported condition. Therefore, this variant is classified as a variant of uncertain significance.

Fulgent Genetics
Classification: Uncertain significance for Polycystic kidney disease 4. Last evaluated: 2024-05-17. Review status: criteria provided, single submitter. Criteria: ACMG Guidelines, 2015. Collection method: clinical testing. Allele origin: germline.

Eurofins Ntd Llc (ga)
Classification: Uncertain significance. Last evaluated: 2018-05-15. Review status: criteria provided, single submitter. Criteria: EGL ClinVar v180209 classification definitions. Collection method: clinical testing. Allele origin: germline. Observed: 3 variant alleles, 3 heterozygotes.

NM_138694.4(PKHD1):c.12107G>A (p.Arg4036Gln)

Gene: PKHD1 (PKHD1 ciliary IPT domain containing fibrocystin/polyductin; minus strand). Cytogenetic location: 6p12.3.
Variant type: single nucleotide variant.
Coding change: c.12107G>A on transcript NM_138694.4 (MANE Select); coding-DNA position 12107, G replaced by A.
Protein change: p.Arg4036Gln; replaces arginine 4036 with glutamine.
Molecular consequence: missense variant.
Genome position (GRCh38, 1-based): chr6:51,619,199, C>T on the plus strand (G>A on the coding strand, the complement: PKHD1 is on the minus strand). VCF-style: chr6-51619199-C-T. GRCh37 (hg19) VCF-style: chr6-51483997-C-T.
Other names: c.12107G>A (NM_138694.3); short protein forms R4036Q.
Identifiers: ClinVar variation 597213 (VCV000597213.9), dbSNP rs201242338, ClinGen allele CA3850616.
Genomic context (GRCh38, chr6:51,619,199, plus strand): 5'-GCCCCGCAGGAGGCTTTCTTCTCTTGGGAAAGCCCCAAGCTGCCACTTTGCTTACTCAGC[C>T]GACTTTGCCCTGGCAACTGCTGCCTCTCTTGTCTGAAGTCTGGGCATAGCAGCAGCAGCT-3'
Protein context (NP_619639.3, residues 4026-4046): QERQQLPGQS[Arg4036Gln]LSKQSGSLGL